The following is an entry in ClinVar:

ClinVar aggregate classification (germline): Uncertain significance. Review status: criteria provided, multiple submitters, no conflicts (2 of 4 stars). 3 submissions from 3 submitters: Uncertain significance (3). Last evaluated 2026-03-23.

Conditions:
Hereditary cancer-predisposing syndrome. Also called: Hereditary neoplastic syndrome; Neoplastic Syndromes, Hereditary; Hereditary Cancer Syndrome; Tumor predisposition. Identifiers: Orphanet 140162, MedGen C0027672, MeSH D009386, MONDO:0015356.

Submissions (3):

Ambry Genetics
Classification: Uncertain significance for Hereditary cancer-predisposing syndrome. Last evaluated: 2026-03-23. Review status: criteria provided, single submitter. Criteria: Ambry Variant Classification Scheme 2023. Collection method: clinical testing. Allele origin: germline.
Comment: The c.5464_5466dupTAC variant (also known as p.Y1822dup), located in coding exon 40 of the POLE gene, results from an in-frame duplication of TAC at nucleotide positions 5464 to 5466. This results in the duplication of an extra residue between codons 1822 and 1823. This amino acid position is highly conserved in available vertebrate species. In addition, this variant is predicted to be deleterious by in silico analysis (Choi Y et al. PLoS ONE. 2012; 7(10):e46688). Based on the available evidence, the clinical significance of this variant remains unclear.

Labcorp Genetics (formerly Invitae), Labcorp
Classification: Uncertain significance. Last evaluated: 2024-07-30. Review status: criteria provided, single submitter. Criteria: Invitae Variant Classification Sherloc (09022015). Collection method: clinical testing. Allele origin: germline.
Comment: This variant, c.5464_5466dup, results in the insertion of 1 amino acid(s) of the POLE protein (p.Tyr1822dup), but otherwise preserves the integrity of the reading frame. This variant is present in population databases (rs773960177, gnomAD 0.0009%). This variant has not been reported in the literature in individuals affected with POLE-related conditions. ClinVar contains an entry for this variant (Variation ID: 568287). Experimental studies and prediction algorithms are not available or were not evaluated, and the functional significance of this variant is currently unknown. In summary, the available evidence is currently insufficient to determine the role of this variant in disease. Therefore, it has been classified as a Variant of Uncertain Significance.

Blueprint Genetics
Classification: Uncertain significance. Last evaluated: 2022-11-10. Review status: criteria provided, single submitter. Criteria: ACMG Guidelines, 2015. Collection method: clinical testing. Allele origin: germline.

NM_006231.4(POLE):c.5464_5466dup (p.Tyr1822dup)

Gene: POLE (DNA polymerase epsilon, catalytic subunit; minus strand). Cytogenetic location: 12q24.33.
Variant type: Duplication.
Coding change: c.5464_5466dup on transcript NM_006231.4 (MANE Select); coding-DNA positions 5464 to 5466, 3 bases duplicated (TAC; older notation c.5464_5466dupTAC).
Protein change: p.Tyr1822dup; duplicates tyrosine 1822.
Molecular consequence: inframe insertion.
Genome position (GRCh38, 1-based): chr12:132,639,211-132,639,213, GTA duplicated on the plus strand (TAC on the coding strand, the reverse complement: POLE is on the minus strand); duplicating any 3 consecutive bases within chr12:132,639,211-132,639,214 gives the same sequence; the c. name uses the placement nearest the transcript's 3' end. VCF-style (leftmost placement, unchanged base first): chr12-132639210-G-GGTA. GRCh37 (hg19) VCF-style: chr12-133215796-G-GGTA.
Other names: c.5464_5466dupTAC (NM_006231.3, NM_006231.2).
Identifiers: ClinVar variation 568287 (VCV000568287.10), dbSNP rs773960177, ClinGen allele CA6892519.